The following is an entry in ClinVar:

NM_006231.4(POLE):c.601A>G (p.Ile201Val)

Gene: POLE (DNA polymerase epsilon, catalytic subunit; minus strand). Cytogenetic location: 12q24.33.
Variant type: single nucleotide variant.
Coding change: c.601A>G on transcript NM_006231.4 (MANE Select); coding-DNA position 601, A replaced by G.
Protein change: p.Ile201Val; replaces isoleucine 201 with valine.
Molecular consequence: missense variant.
Genome position (GRCh38, 1-based): chr12:132,677,697, T>C on the plus strand (A>G on the coding strand, the complement: POLE is on the minus strand). VCF-style: chr12-132677697-T-C. GRCh37 (hg19) VCF-style: chr12-133254283-T-C.
Other names: c.601A>G (NM_006231.2); short protein forms I201V.
Identifiers: ClinVar variation 1026180 (VCV001026180.9), dbSNP rs1187736101, ClinGen allele CA387365415.

ClinVar aggregate classification (germline): Uncertain significance. Review status: criteria provided, multiple submitters, no conflicts (2 of 4 stars). 2 submissions from 2 submitters: Uncertain significance (2). Last evaluated 2025-09-27.

Conditions:
Hereditary cancer-predisposing syndrome. Also called: Neoplastic Syndromes, Hereditary; Tumor predisposition; Hereditary Cancer Syndrome; Hereditary neoplastic syndrome. Identifiers: Orphanet 140162, MedGen C0027672, MeSH D009386, MONDO:0015356.

Allele frequency attached by ClinVar (database versions not stated): gnomAD exomes below 0.00001.
gnomAD v4.1: 4 of 1,614,132 alleles (0.00025%); highest among the groups gnomAD compares: Middle Eastern, 0.017%; no homozygotes.

Submissions (2):

Labcorp Genetics (formerly Invitae), Labcorp
Classification: Uncertain significance. Last evaluated: 2025-09-27. Review status: criteria provided, single submitter. Criteria: Invitae Variant Classification Sherloc (09022015). Collection method: clinical testing. Allele origin: germline.
Comment: This sequence change replaces isoleucine, which is neutral and non-polar, with valine, which is neutral and non-polar, at codon 201 of the POLE protein (p.Ile201Val). This variant is present in population databases (no rsID available, gnomAD 0.003%). This variant has not been reported in the literature in individuals affected with POLE-related conditions. ClinVar contains an entry for this variant (Variation ID: 1026180). An algorithm developed to predict the effect of missense changes on protein structure and function outputs the following: PolyPhen-2: "Benign". The valine amino acid residue is found in multiple mammalian species, which suggests that this missense change does not adversely affect protein function. In summary, the available evidence is currently insufficient to determine the role of this variant in disease. Therefore, it has been classified as a Variant of Uncertain Significance.

Ambry Genetics
Classification: Uncertain significance for Hereditary cancer-predisposing syndrome. Last evaluated: 2024-12-15. Review status: criteria provided, single submitter. Criteria: Ambry Variant Classification Scheme 2023. Collection method: clinical testing. Allele origin: germline.
Comment: The p.I201V variant (also known as c.601A>G), located in coding exon 7 of the POLE gene, results from an A to G substitution at nucleotide position 601. The isoleucine at codon 201 is replaced by valine, an amino acid with highly similar properties. This amino acid position is conserved. In addition, this alteration is predicted to be tolerated by in silico analysis. Based on the available evidence, the clinical significance of this variant remains unclear.